The following is an entry in ClinVar:

NM_000018.4(ACADVL):c.1055T>C (p.Met352Thr)

Gene: ACADVL (acyl-CoA dehydrogenase very long chain; plus strand). Cytogenetic location: 17p13.1.
Variant type: single nucleotide variant.
Coding change: c.1055T>C on transcript NM_000018.4 (MANE Select); coding-DNA position 1055, T replaced by C.
Protein change: p.Met352Thr; replaces methionine 352 with threonine.
Molecular consequence: missense variant.
Genome position (GRCh38, 1-based): chr17:7,222,843, T>C. VCF-style: chr17-7222843-T-C. GRCh37 (hg19) VCF-style: chr17-7126162-T-C.
Other names: c.989T>C, p.Met330Thr (NM_001033859.3); c.1124T>C, p.Met375Thr (NM_001270447.2); c.827T>C, p.Met276Thr (NM_001270448.2); short protein forms M276T, M330T, M352T, M375T.
Identifiers: ClinVar variation 2438819 (VCV002438819.10), dbSNP rs2071296504, ClinGen allele CA397724250.
Genomic context (GRCh38, chr17:7,222,843, plus strand): 5'-TTGCCATGCACATCCTCAACAATGGAAGGTTTGGCATGGCTGCGGCCCTGGCAGGTACCA[T>C]GAGAGGCATCATTGCTAAGGCGGTGAGTACCCTGCCCGAGTCCCTAGGTAACCCAAACAG-3'
Protein context (NP_000009.1, residues 342-362): FGMAAALAGT[Met352Thr]RGIIAKAVDH

ClinVar aggregate classification (germline): Conflicting classifications of pathogenicity. Review status: criteria provided, conflicting classifications (1 of 4 stars). 4 submissions from 4 submitters: Likely pathogenic (2); Uncertain significance (2). Last evaluated 2025-07-16.

Conditions:
Very long chain acyl-CoA dehydrogenase deficiency (ACADVLD). Also called: VLCAD Deficiency; Very Long-Chain Acyl-Coenzyme A Dehydrogenase Deficiency. Identifiers: Orphanet 26793, MedGen C3887523, MONDO:0008723, OMIM 201475.

Allele frequency attached by ClinVar (database versions not stated): gnomAD exomes below 0.00001.
gnomAD v4.1: 3 of 1,612,744 alleles (0.00019%); highest among the groups gnomAD compares: East Asian, 0.0022%; no homozygotes.

Submissions (4):

Women's Health and Genetics/Laboratory Corporation of America, LabCorp
Classification: Uncertain significance. Last evaluated: 2025-07-16. Review status: criteria provided, single submitter. Criteria: LabCorp Variant Classification Summary - May 2015. Collection method: clinical testing. Allele origin: germline.
Comment: Variant summary: ACADVL c.1055T>C (p.Met352Thr) results in a non-conservative amino acid change in the encoded protein sequence. Algorithms developed to predict the effect of missense changes on protein structure and function all suggest that this variant is likely to be disruptive. The variant was absent in 250952 control chromosomes. The available data on variant occurrences in the general population are insufficient to allow any conclusion about variant significance. c.1055T>C has been reported in the literature in the compound heterozygous state in an individual affected with Very Long Chain Acyl-CoA Dehydrogenase Deficiency (Lin_2020). These data do not allow any conclusion about variant significance. To our knowledge, no experimental evidence demonstrating an impact on protein function has been reported. The following publication has been ascertained in the context of this evaluation (PMID: 32710939). ClinVar contains an entry for this variant (Variation ID: 2438819). Based on the evidence outlined above, the variant was classified as uncertain significance.

Fulgent Genetics
Classification: Likely pathogenic for Very long chain acyl-CoA dehydrogenase deficiency. Last evaluated: 2024-03-18. Review status: criteria provided, single submitter. Criteria: ACMG Guidelines, 2015. Collection method: clinical testing. Allele origin: germline.

Labcorp Genetics (formerly Invitae), Labcorp
Classification: Likely pathogenic for Very long chain acyl-CoA dehydrogenase deficiency. Last evaluated: 2023-08-21. Review status: criteria provided, single submitter. Criteria: Invitae Variant Classification Sherloc (09022015). Collection method: clinical testing. Allele origin: germline.
Comment: In summary, the currently available evidence indicates that the variant is pathogenic, but additional data are needed to prove that conclusively. Therefore, this variant has been classified as Likely Pathogenic. This variant disrupts the p.Met352 amino acid residue in ACADVL. Other variant(s) that disrupt this residue have been observed in individuals with ACADVL-related conditions (PMID: 35193651), which suggests that this may be a clinically significant amino acid residue. Advanced modeling of protein sequence and biophysical properties (such as structural, functional, and spatial information, amino acid conservation, physicochemical variation, residue mobility, and thermodynamic stability) performed at Invitae indicates that this missense variant is expected to disrupt ACADVL protein function. ClinVar contains an entry for this variant (Variation ID: 2438819). This missense change has been observed in individual(s) with very long-chain acyl-CoA dehydrogenase deficiency (PMID: 32710939). In at least one individual the data is consistent with being in trans (on the opposite chromosome) from a pathogenic variant. This variant is not present in population databases (gnomAD no frequency). This sequence change replaces methionine, which is neutral and non-polar, with threonine, which is neutral and polar, at codon 352 of the ACADVL protein (p.Met352Thr).

Revvity Omics, Revvity
Classification: Uncertain significance for Very long chain acyl-CoA dehydrogenase deficiency. Last evaluated: 2022-12-07. Review status: criteria provided, single submitter. Criteria: ACMG Guidelines, 2015. Collection method: clinical testing. Allele origin: germline.

Literature cited by the submitters: PubMed 32710939 (cited by Women's Health and Genetics/Laboratory Corporation of America, LabCorp and Labcorp Genetics (formerly Invitae), Labcorp); PubMed 35193651 (cited by Labcorp Genetics (formerly Invitae), Labcorp).